The following is an entry in ClinVar:

NM_016169.4(SUFU):c.530T>C (p.Met177Thr)

Gene: SUFU (SUFU negative regulator of hedgehog signaling; plus strand). Cytogenetic location: 10q24.32.
Variant type: single nucleotide variant.
Coding change: c.530T>C on transcript NM_016169.4 (MANE Select); coding-DNA position 530, T replaced by C.
Protein change: p.Met177Thr; replaces methionine 177 with threonine.
Molecular consequence: missense variant.
Genome position (GRCh38, 1-based): chr10:102,592,657, T>C. VCF-style: chr10-102592657-T-C. GRCh37 (hg19) VCF-style: chr10-104352414-T-C.
Other names: c.530T>C, p.Met177Thr (NM_001178133.2); short protein forms M177T.
Identifiers: ClinVar variation 825635 (VCV000825635.4), dbSNP rs1590061903, ClinGen allele CA377908401.

ClinVar aggregate classification (germline): Uncertain significance (1 of 4 stars; one submission).

Conditions:
Hereditary cancer-predisposing syndrome. Also called: Neoplastic Syndromes, Hereditary; Tumor predisposition; Hereditary neoplastic syndrome; Hereditary Cancer Syndrome. Identifiers: Orphanet 140162, MedGen C0027672, MeSH D009386, MONDO:0015356.

Submission:

Ambry Genetics
Classification: Uncertain significance for Hereditary cancer-predisposing syndrome. Last evaluated: 2019-03-12. Review status: criteria provided, single submitter. Criteria: Ambry Variant Classification Scheme 2023. Collection method: clinical testing. Allele origin: germline.
Comment: The p.M177T variant (also known as c.530T>C), located in coding exon 4 of the SUFU gene, results from a T to C substitution at nucleotide position 530. The methionine at codon 177 is replaced by threonine, an amino acid with similar properties. This amino acid position is highly conserved in available vertebrate species. In addition, this alteration is predicted to be deleterious by in silico analysis. Since supporting evidence is limited at this time, the clinical significance of this alteration remains unclear.